The following is an entry in ClinVar:

NM_020821.3(VPS13C):c.8984C>G (p.Ser2995Ter)

Gene: VPS13C (vacuolar protein sorting 13 homolog C; minus strand). Cytogenetic location: 15q22.2.
Variant type: single nucleotide variant.
Coding change: c.8984C>G on transcript NM_020821.3 (MANE Select); coding-DNA position 8984, C replaced by G.
Protein change: p.Ser2995Ter; replaces serine 2995 with a stop codon.
Molecular consequence: nonsense.
Genome position (GRCh38, 1-based): chr15:61,907,385, G>C on the plus strand (C>G on the coding strand, the complement: VPS13C is on the minus strand). VCF-style: chr15-61907385-G-C. GRCh37 (hg19) VCF-style: chr15-62199584-G-C.
Other names: c.8984C>G, p.Ser2995Ter (NM_001018088.3); c.8855C>G, p.Ser2952Ter (NM_017684.5, NM_018080.4); short protein forms S2995*, S2952*.
Identifiers: ClinVar variation 3710087 (VCV003710087.2).

ClinVar aggregate classification (germline): Pathogenic (1 of 4 stars; one submission).

gnomAD v4.1: 21 of 1,613,686 alleles (0.0013%); highest among the groups gnomAD compares: Non-Finnish European, 0.0017%; no homozygotes.

Submission:

Labcorp Genetics (formerly Invitae), Labcorp
Classification: Pathogenic. Last evaluated: 2024-07-01. Review status: criteria provided, single submitter. Criteria: Invitae Variant Classification Sherloc (09022015). Collection method: clinical testing. Allele origin: germline.
Comment: This sequence change creates a premature translational stop signal (p.Ser2995*) in the VPS13C gene. It is expected to result in an absent or disrupted protein product. Loss-of-function variants in VPS13C are known to be pathogenic (PMID: 26942284, 34875562). This variant is present in population databases (rs760487365, gnomAD 0.003%). This variant has not been reported in the literature in individuals affected with VPS13C-related conditions. For these reasons, this variant has been classified as Pathogenic.

Literature cited by the submitters: PubMed 26942284; PubMed 34875562.